The following is an entry in ClinVar:

ClinVar aggregate classification (germline): Conflicting classifications of pathogenicity. Review status: criteria provided, conflicting classifications (1 of 4 stars). 3 submissions from 3 submitters: Likely pathogenic (2); Uncertain significance (1). Last evaluated 2025-09-16.

Conditions:
Gaucher disease. Also called: Acute cerebral Gaucher disease; Cerebroside lipidosis syndrome; Gaucher splenomegaly; Sphingolipidosis 1; Glucocerebrosidosis; Glucosylceramidase deficiency. Identifiers: Orphanet 355, MedGen C0017205, MONDO:0018150.

Allele frequency attached by ClinVar (database versions not stated): gnomAD exomes below 0.00001; TOPMed below 0.00001.
gnomAD v4.1: 2 of 1,614,166 alleles (0.00012%); highest among the groups gnomAD compares: Non-Finnish European, 0.00017%; no homozygotes.

Submissions (3):

Natera, Inc.
Classification: Likely pathogenic for Gaucher disease. Last evaluated: 2025-09-16. Review status: criteria provided, single submitter. Criteria: Natera Variant Classification Schema (03/2026). Collection method: clinical testing. Allele origin: germline.
Comment: The c.1296G>A variant in GBA1 is a nonsense variant predicted to introduce a stop codon at amino acid 432. This variant is expected to result in nonsense mediated decay, truncation, or a dysfunctional protein product. This variant is rare in the general population with a frequency below the threshold expected for the associated phenotype(s). Given the available evidence, this variant is classified as Likely Pathogenic.

Broad Center for Mendelian Genomics, Broad Institute of MIT and Harvard
Classification: Likely pathogenic for Gaucher disease. Last evaluated: 2020-01-22. Review status: criteria provided, single submitter. Criteria: ACMG Guidelines, 2015. Collection method: curation. Allele origin: germline. Inheritance: Autosomal dominant inheritance.
Comment: Although this variant has been seen in the general population, its frequency is low enough to be consistent with a recessive carrier frequency. This variant has also been reported in ClinVar (VariationID: 493049) as a VUS by Praxis fuer Humangenetik Tuebingen without indicating zygosity or phenotype. This nonsense variant leads to a premature termination codon at position 432, which is predicted to lead to a truncated or absent protein. Loss of function of the GBA gene is an established disease mechanism in autosomal recessive Gaucher disease. However, this variant has never been reported in the literature in an individual with Gaucher disease. In summary, although additional studies are required to fully establish its clinical significance, this variant is likely pathogenic. ACMG/AMP Criteria applied: PM2, PVS1 (Richards 2015).

CeGaT Center for Human Genetics Tuebingen
Classification: Uncertain significance. Last evaluated: 2017-07-01. Review status: criteria provided, single submitter. Criteria: CeGaT Center For Human Genetics Tuebingen Variant Classification Criteria Version 2. Collection method: clinical testing. Allele origin: germline. Affected: yes. Observed: 1 variant allele.

NM_000157.4(GBA1):c.1296G>A (p.Trp432Ter)

Genes: GBA1 (glucosylceramidase beta 1; minus strand), LOC106627981 (GBA recombination region; plus strand). Cytogenetic location: 1q22.
Variant type: single nucleotide variant.
Coding change: c.1296G>A on transcript NM_000157.4 (MANE Select); coding-DNA position 1296, G replaced by A.
Protein change: p.Trp432Ter; replaces tryptophan 432 with a stop codon.
Molecular consequence: nonsense.
Genome position (GRCh38, 1-based): chr1:155,235,773, C>T on the plus strand (G>A on the coding strand, the complement: GBA1 is on the minus strand). VCF-style: chr1-155235773-C-T. GRCh37 (hg19) VCF-style: chr1-155205564-C-T.
Other names: c.1296G>A, p.Trp432Ter (NM_001005741.3, NM_001005742.3); c.1035G>A, p.Trp345Ter (NM_001171811.2); c.1149G>A, p.Trp383Ter (NM_001171812.2); c.1296G>A (NM_000157.3); short protein forms W432*, W345*, W383*.
Identifiers: ClinVar variation 493049 (VCV000493049.45), dbSNP rs1484043383, ClinGen allele CA342713418.